The following is an entry in ClinVar:

NM_001287491.2(TET3):c.1532C>T (p.Ala511Val)

Gene: TET3 (tet methylcytosine dioxygenase 3; plus strand). Cytogenetic location: 2p13.1.
Variant type: single nucleotide variant.
Coding change: c.1532C>T on transcript NM_001287491.2 (MANE Select); coding-DNA position 1532, C replaced by T.
Protein change: p.Ala511Val; replaces alanine 511 with valine.
Molecular consequence: missense variant.
Genome position (GRCh38, 1-based): chr2:74,047,449, C>T. VCF-style: chr2-74047449-C-T. GRCh37 (hg19) VCF-style: chr2-74274576-C-T.
Other names: c.1253C>T, p.Ala418Val (NM_001366022.1); c.1127C>T, p.Ala376Val (NM_144993.1); short protein forms A376V, A418V, A511V.
Identifiers: ClinVar variation 2637388 (VCV002637388.1), dbSNP rs1687695594, ClinGen allele CA347328164.

ClinVar aggregate classification (germline): Uncertain significance (1 of 4 stars; one submission).

Conditions:
TET3-related disorder. Also called: TET3-related condition; TET3-Related Disease.

Submission:

PreventionGenetics, part of Exact Sciences
Classification: Uncertain significance for TET3-related condition. Last evaluated: 2022-10-18. Review status: criteria provided, single submitter. Criteria: ACMG Guidelines, 2015. Collection method: clinical testing. Allele origin: germline.
Comment: The TET3 c.1532C>T variant is predicted to result in the amino acid substitution p.Ala511Val. To our knowledge, this variant has not been reported in the literature or in a large population database, indicating this variant is rare. At this time, the clinical significance of this variant is uncertain due to the absence of conclusive functional and genetic evidence.